The following is an entry in ClinVar:

NM_181426.2(CCDC39):c.1362G>A (p.Gln454=)

Gene: CCDC39 (coiled-coil domain 39 molecular ruler complex subunit; minus strand). Cytogenetic location: 3q26.33.
Variant type: single nucleotide variant.
Coding change: c.1362G>A on transcript NM_181426.2 (MANE Select); coding-DNA position 1362, G replaced by A.
Protein change: p.Gln454=; no amino-acid change (glutamine 454 retained).
Molecular consequence: synonymous variant.
Genome position (GRCh38, 1-based): chr3:180,648,165, C>T on the plus strand (G>A on the coding strand, the complement: CCDC39 is on the minus strand). VCF-style: chr3-180648165-C-T. GRCh37 (hg19) VCF-style: chr3-180365953-C-T.
Identifiers: ClinVar variation 2585129 (VCV002585129.1), dbSNP rs1718117154, ClinGen allele CA437074059.

ClinVar aggregate classification (germline): Uncertain significance (1 of 4 stars; one submission).

Conditions:
Primary ciliary dyskinesia 14. Also called: CILIARY DYSKINESIA, PRIMARY, 14, WITH OR WITHOUT SITUS INVERSUS. Identifiers: Orphanet 244, MedGen C3151136, MONDO:0013434, OMIM 613807.

Allele frequency attached by ClinVar (database versions not stated): TOPMed 0.00001.

Submission:

Neuberg Centre For Genomic Medicine, NCGM
Classification: Uncertain significance for Primary ciliary dyskinesia 14. Review status: criteria provided, single submitter. Criteria: ACMG Guidelines, 2015. Collection method: clinical testing. Allele origin: germline. Inheritance: Autosomal recessive inheritance. Affected: yes.
Comment: The synonymous c.1362G>A(p.Gln454) variant has not been reported previously as a pathogenic variant nor as a benign variant, to our knowledge. The p.Gln454 variant is novel (not in any individuals) in gnomAD Exomes and 1000 Genomes. This p.Gln454 type of mutation causes no change in the protein that is produced. Nucleotide substitutions within the consensus splice site are a relatively common cause of aberrant splicing (Buratti et al., 2007). For these reasons, this variant has been classified as Uncertain Significance.